The following is an entry in ClinVar:

ClinVar aggregate classification (germline): Likely benign. Review status: criteria provided, multiple submitters, no conflicts (2 of 4 stars). 3 submissions from 3 submitters: Likely benign (3). Last evaluated 2026-03-08.

Conditions:
Polycystic kidney disease, adult type (PKD1). Also called: Polycystic Kidney Disease 1, Autosomal Dominant; Polycystic kidney disease 1; Polycystic kidney disease 1, severe; POLYCYSTIC KIDNEY DISEASE, ADULT, TYPE I; Polycystic Kidney, Autosomal Dominant; POLYCYSTIC KIDNEY DISEASE 1 WITH OR WITHOUT POLYCYSTIC LIVER DISEASE. Identifiers: MedGen C3149841, MONDO:0008263, OMIM 173900.
PKD1-related disorder. Also called: PKD1-related condition.

Allele frequency attached by ClinVar (database versions not stated): gnomAD 0.00003; TOPMed 0.00004.
gnomAD v4.1: 58 of 1,611,638 alleles (0.0036%); highest among the groups gnomAD compares: Admixed American, 0.005%; no homozygotes.

Submissions (3):

PreventionGenetics, part of Exact Sciences
Classification: Likely benign for PKD1-related condition. Last evaluated: 2026-03-08. Review status: criteria provided, single submitter. Criteria: ACMG Guidelines, 2015. Collection method: clinical testing. Allele origin: germline.
Comment: This variant is classified as likely benign based on ACMG/AMP sequence variant interpretation guidelines (Richards et al. 2015 PMID: 25741868, with internal and published modifications).

Fulgent Genetics
Classification: Likely benign for Polycystic kidney disease, adult type. Last evaluated: 2021-09-14. Review status: criteria provided, single submitter. Criteria: ACMG Guidelines, 2015. Collection method: clinical testing. Allele origin: unknown.

ARUP Laboratories, Molecular Genetics and Genomics, ARUP Laboratories
Classification: Likely benign for Polycystic kidney disease, adult type. Last evaluated: 2018-07-26. Review status: criteria provided, single submitter. Criteria: ARUP Molecular Germline Variant Investigation Process. Collection method: clinical testing. Allele origin: germline.

NM_001009944.3(PKD1):c.4338C>T (p.Thr1446=)

Gene: PKD1 (polycystin 1, transient receptor potential channel interacting; minus strand). Cytogenetic location: 16p13.3.
Variant type: single nucleotide variant.
Coding change: c.4338C>T on transcript NM_001009944.3 (MANE Select); coding-DNA position 4338, C replaced by T.
Protein change: p.Thr1446=; no amino-acid change (threonine 1446 retained).
Molecular consequence: synonymous variant.
Genome position (GRCh38, 1-based): chr16:2,110,829, G>A on the plus strand (C>T on the coding strand, the complement: PKD1 is on the minus strand). VCF-style: chr16-2110829-G-A. GRCh37 (hg19) VCF-style: chr16-2160830-G-A.
Other names: c.4338C>T, p.Thr1446= (NM_000296.4); c.4338C>T (NM_001009944.2).
Identifiers: ClinVar variation 811761 (VCV000811761.10), dbSNP rs781761438, ClinGen allele CA7832406.